The following is an entry in ClinVar:

NM_001967.4(EIF4A2):c.20A>T (p.Asp7Val)

Gene: EIF4A2 (eukaryotic translation initiation factor 4A2; plus strand). Cytogenetic location: 3q27.3.
Variant type: single nucleotide variant.
Coding change: c.20A>T on transcript NM_001967.4 (MANE Select); coding-DNA position 20, A replaced by T.
Protein change: p.Asp7Val; replaces aspartic acid 7 with valine.
Molecular consequence: missense variant.
Genome position (GRCh38, 1-based): chr3:186,783,630, A>T. VCF-style: chr3-186783630-A-T. GRCh37 (hg19) VCF-style: chr3-186501419-A-T.
Other names: short protein forms D7V.
Identifiers: ClinVar variation 4685438 (VCV004685438.2).

ClinVar aggregate classification (germline): Uncertain significance (1 of 4 stars; one submission).

gnomAD v4.1: 1 of 1,614,100 alleles (0.000062%); highest among the groups gnomAD compares: Non-Finnish European, 0.000085%; no homozygotes.

Submission:

GeneDx
Classification: Uncertain significance. Last evaluated: 2026-07-10. Review status: criteria provided, single submitter. Criteria: GeneDx Variant Classification Process June 2021. Collection method: clinical testing. Allele origin: germline.
Comment: Not observed at significant frequency in large population cohorts (gnomAD); In silico analysis supports that this missense variant has a deleterious effect on protein structure/function; Has not been previously published as pathogenic or benign to our knowledge